The following is an entry in ClinVar:

ClinVar aggregate classification (germline): Likely pathogenic (1 of 4 stars; one submission).

Conditions:
Inborn genetic diseases. Identifiers: MedGen C0950123, MeSH D030342.

Submission:

Ambry Genetics
Classification: Likely pathogenic for Inborn genetic diseases. Last evaluated: 2024-11-27. Review status: criteria provided, single submitter. Criteria: Ambry Variant Classification Scheme 2023. Collection method: clinical testing. Allele origin: germline.
Comment: The c.2939T>C (p.L980P) alteration is located in exon 8 (coding exon 8) of the TET3 gene. This alteration results from a T to C substitution at nucleotide position 2939, causing the leucine (L) at amino acid position 980 to be replaced by a proline (P). This variant was not reported in population-based cohorts in the Genome Aggregation Database (gnomAD). This amino acid position is highly conserved in available vertebrate species. This missense alteration is located in a region that has a low rate of benign missense variation (Lek, 2016; Firth, 2009). This alteration is predicted to be deleterious by in silico analysis. Based on the available evidence, this alteration is classified as likely pathogenic.

NM_001287491.2(TET3):c.3344T>C (p.Leu1115Pro)

Gene: TET3 (tet methylcytosine dioxygenase 3; plus strand). Cytogenetic location: 2p13.1.
Variant type: single nucleotide variant.
Coding change: c.3344T>C on transcript NM_001287491.2 (MANE Select); coding-DNA position 3344, T replaced by C.
Protein change: p.Leu1115Pro; replaces leucine 1115 with proline.
Molecular consequence: missense variant.
Genome position (GRCh38, 1-based): chr2:74,099,352, T>C. VCF-style: chr2-74099352-T-C. GRCh37 (hg19) VCF-style: chr2-74326479-T-C.
Other names: c.3065T>C, p.Leu1022Pro (NM_001366022.1); c.2939T>C (NM_144993.1); short protein forms L1022P, L1115P.
Identifiers: ClinVar variation 3455408 (VCV003455408.1).